The following is an entry in ClinVar:

NM_018100.4(EFHC1):c.628G>A (p.Asp210Asn)

Gene: EFHC1 (EF-hand domain containing 1; plus strand). Cytogenetic location: 6p12.2.
Variant type: single nucleotide variant.
Coding change: c.628G>A on transcript NM_018100.4 (MANE Select); coding-DNA position 628, G replaced by A.
Protein change: p.Asp210Asn; replaces aspartic acid 210 with asparagine.
Molecular consequence: missense variant. On other transcripts: non-coding transcript variant (1).
Genome position (GRCh38, 1-based): chr6:52,452,742, G>A. VCF-style: chr6-52452742-G-A. GRCh37 (hg19) VCF-style: chr6-52317540-G-A.
Other names: c.571G>A, p.Asp191Asn (NM_001172420.2); short protein forms D210N, D191N.
Identifiers: ClinVar variation 2065 (VCV000002065.48), dbSNP rs137852777, ClinGen allele CA115322.

ClinVar aggregate classification (germline): Uncertain significance. Review status: criteria provided, single submitter (1 of 4 stars). 2 submissions from 2 submitters: Uncertain significance (1). 1 of the submissions does not count toward it. Last evaluated 2024-02-24.

Conditions:
Absence seizure. Also called: Absence epilepsy. Identifiers: Orphanet 1941, MedGen C0014553.
Myoclonic epilepsy, juvenile, susceptibility to, 1. Also called: Myoclonic Epilepsy, Juvenile, 1; EJM1. Identifiers: MedGen C1850778, MONDO:0020752, OMIM 254770.

Allele frequency attached by ClinVar (database versions not stated): TOPMed 0.00002; gnomAD exomes 0.00005; ExAC 0.00006.
gnomAD v4.1: 17 of 1,614,176 alleles (0.0011%); highest among the groups gnomAD compares: Admixed American, 0.025%; no homozygotes.

Submissions (2):

Labcorp Genetics (formerly Invitae), Labcorp
Classification: Uncertain significance for Myoclonic epilepsy, juvenile, susceptibility to, 1; Absence seizure. Last evaluated: 2024-02-24. Review status: criteria provided, single submitter. Criteria: Invitae Variant Classification Sherloc (09022015). Collection method: clinical testing. Allele origin: germline.
Comment: This sequence change replaces aspartic acid, which is acidic and polar, with asparagine, which is neutral and polar, at codon 210 of the EFHC1 protein (p.Asp210Asn). This variant is present in population databases (rs137852777, gnomAD 0.04%). This missense change has been observed in individual(s) with clinical features of juvenile myoclonic epilepsy (PMID: 15258581, 18823326, 22727576, 34645491). ClinVar contains an entry for this variant (Variation ID: 2065). Advanced modeling of protein sequence and biophysical properties (such as structural, functional, and spatial information, amino acid conservation, physicochemical variation, residue mobility, and thermodynamic stability) performed at Invitae indicates that this missense variant is expected to disrupt EFHC1 protein function with a positive predictive value of 80%. Experimental studies have shown that this missense change affects EFHC1 function (PMID: 15258581, 22226147, 22926142). In summary, the available evidence is currently insufficient to determine the role of this variant in disease. Therefore, it has been classified as a Variant of Uncertain Significance.

OMIM
Classification: risk factor for MYOCLONIC EPILEPSY, JUVENILE, SUSCEPTIBILITY TO, 1. Last evaluated: 2004-08-01. Review status: no assertion criteria provided. Collection method: literature only. Allele origin: germline. Not counted in ClinVar's aggregate classification.

Literature cited by the submitters: PubMed 15258581 (cited by Labcorp Genetics (formerly Invitae), Labcorp and OMIM); PubMed 18823326 (cited by Labcorp Genetics (formerly Invitae), Labcorp); PubMed 22727576 (cited by Labcorp Genetics (formerly Invitae), Labcorp); PubMed 34645491 (cited by Labcorp Genetics (formerly Invitae), Labcorp); PubMed 22226147 (cited by Labcorp Genetics (formerly Invitae), Labcorp); PubMed 22926142 (cited by Labcorp Genetics (formerly Invitae), Labcorp); PubMed 12439895 (cited by OMIM).